The following is an entry in ClinVar:

NM_022132.5(MCCC2):c.190A>T (p.Lys64Ter)

Gene: MCCC2 (methylcrotonyl-CoA carboxylase subunit 2; plus strand). Cytogenetic location: 5q13.2.
Variant type: single nucleotide variant.
Coding change: c.190A>T on transcript NM_022132.5 (MANE Select); coding-DNA position 190, A replaced by T.
Protein change: p.Lys64Ter; replaces lysine 64 with a stop codon.
Molecular consequence: nonsense.
Genome position (GRCh38, 1-based): chr5:71,592,986, A>T. VCF-style: chr5-71592986-A-T. GRCh37 (hg19) VCF-style: chr5-70888813-A-T.
Other names: c.190A>T, p.Lys64Ter (NM_001363147.1); short protein forms K64*.
Identifiers: ClinVar variation 1951224 (VCV001951224.8), dbSNP rs796051989, ClinGen allele CA312690.

ClinVar aggregate classification (germline): Pathogenic/Likely pathogenic. Review status: criteria provided, multiple submitters, no conflicts (2 of 4 stars). 3 submissions from 3 submitters: Pathogenic (2); Likely pathogenic (1). Last evaluated 2024-10-07.

Conditions:
3-methylcrotonyl-CoA carboxylase 2 deficiency. Also called: METHYLCROTONYLGLYCINURIA, TYPE II; 3 alpha methylcrotonyl-CoA carboxylase 2 deficiency; 3 alpha methylcrotonylglycinuria 2; MCC 2 deficiency; Methylcrotonylglycinuria type 2. Identifiers: Orphanet 6, MedGen C1859499, MONDO:0008862, OMIM 210210.

gnomAD v4.1: 1 of 1,611,730 alleles (0.000062%); highest among the groups gnomAD compares: Admixed American, 0.0017%; no homozygotes.

Submissions (3):

Labcorp Genetics (formerly Invitae), Labcorp
Classification: Pathogenic for 3-methylcrotonyl-CoA carboxylase 2 deficiency. Last evaluated: 2024-10-07. Review status: criteria provided, single submitter. Criteria: Invitae Variant Classification Sherloc (09022015). Collection method: clinical testing. Allele origin: germline.
Comment: This sequence change creates a premature translational stop signal (p.Lys64*) in the MCCC2 gene. It is expected to result in an absent or disrupted protein product. Loss-of-function variants in MCCC2 are known to be pathogenic (PMID: 11181649, 22642865). This variant is present in population databases (rs796051989, gnomAD 0.003%). This variant has not been reported in the literature in individuals affected with MCCC2-related conditions. ClinVar contains an entry for this variant (Variation ID: 1951224). For these reasons, this variant has been classified as Pathogenic.

Myriad Genetics, Inc.
Classification: Pathogenic for 3-methylcrotonyl-CoA carboxylase 2 deficiency. Last evaluated: 2024-05-23. Review status: criteria provided, single submitter. Criteria: Myriad Autosomal Dominant, Autosomal Recessive and X-Linked Classification Criteria (2023). Collection method: clinical testing. Allele origin: unknown.
Comment: NM_022132.4(MCCC2):c.190A>T(K64*) is expected to be pathogenic in the context of 3-methylcrotonyl-CoA carboxylase deficiency, MCCC2-related. This variant is predicted to lead to an abnormal or absent protein product due to the creation of a premature termination codon in MCCC2, a gene where loss-of-function variants are known to be pathogenic. Please note: this variant was assessed in the context of healthy population screening.

Baylor Genetics
Classification: Likely pathogenic for 3-methylcrotonyl-CoA carboxylase 2 deficiency. Last evaluated: 2023-12-26. Review status: criteria provided, single submitter. Criteria: ACMG Guidelines, 2015. Collection method: clinical testing. Allele origin: unknown.

Literature cited by the submitters: PubMed 11181649 (cited by Labcorp Genetics (formerly Invitae), Labcorp); PubMed 22642865 (cited by Labcorp Genetics (formerly Invitae), Labcorp).